The following is an entry in ClinVar:

ClinVar aggregate classification (germline): Uncertain significance (1 of 4 stars; one submission).

Submission:

GeneDx
Classification: Uncertain significance. Last evaluated: 2022-06-09. Review status: criteria provided, single submitter. Criteria: GeneDx Variant Classification Process June 2021. Collection method: clinical testing. Allele origin: germline. Affected: yes.
Comment: Not observed at significant frequency in large population cohorts (gnomAD); In silico analysis supports that this missense variant does not alter protein structure/function; Has not been previously published as pathogenic or benign to our knowledge

NM_015335.5(MED13L):c.3451G>A (p.Asp1151Asn)

Gene: MED13L (mediator complex subunit 13L; minus strand). Cytogenetic location: 12q24.21.
Variant type: single nucleotide variant.
Coding change: c.3451G>A on transcript NM_015335.5 (MANE Select); coding-DNA position 3451, G replaced by A.
Protein change: p.Asp1151Asn; replaces aspartic acid 1151 with asparagine.
Molecular consequence: missense variant.
Genome position (GRCh38, 1-based): chr12:115,991,503, C>T on the plus strand (G>A on the coding strand, the complement: MED13L is on the minus strand). VCF-style: chr12-115991503-C-T. GRCh37 (hg19) VCF-style: chr12-116429308-C-T.
Other names: short protein forms D1151N.
Identifiers: ClinVar variation 1803299 (VCV001803299.1), dbSNP rs2499856682, ClinGen allele CA386887713.